The following is an entry in ClinVar:

ClinVar aggregate classification (germline): Likely benign (1 of 4 stars; one submission).

Conditions:
Breast-ovarian cancer, familial, susceptibility to, 3. Also called: RAD51C-Related Breast/Ovarian Cancer. Identifiers: Orphanet 145, MedGen C3150659, MONDO:0013253, OMIM 613399.

Submission:

Myriad Genetics, Inc.
Classification: Likely benign for Breast-ovarian cancer, familial, susceptibility to, 3. Last evaluated: 2025-02-19. Review status: criteria provided, single submitter. Criteria: Myriad Autosomal Dominant, Autosomal Recessive and X-Linked Classification Criteria (2023). Collection method: clinical testing. Allele origin: unknown.
Comment: This variant is considered likely benign. This variant is intronic and is not expected to impact mRNA splicing.

NM_058216.3(RAD51C):c.1027-15T>C

Gene: RAD51C (RAD51 paralog C; plus strand). Cytogenetic location: 17q22.
Variant type: single nucleotide variant.
Coding change: c.1027-15T>C on transcript NM_058216.3 (MANE Select); 15 bases into the intron before coding-DNA position 1027, T replaced by C.
Molecular consequence: intron variant.
Genome position (GRCh38, 1-based): chr17:58,734,103, T>C. VCF-style: chr17-58734103-T-C. GRCh37 (hg19) VCF-style: chr17-56811464-T-C.
Identifiers: ClinVar variation 3903520 (VCV003903520.1).